The following is an entry in ClinVar:

NM_001042492.3(NF1):c.827del (p.Leu276fs)

Gene: NF1 (neurofibromin 1; plus strand). Cytogenetic location: 17q11.2.
Variant type: Deletion.
Coding change: c.827del on transcript NM_001042492.3 (MANE Select); coding-DNA position 827, one base deleted (T; older notation c.827delT).
Protein change: p.Leu276fs; shifts the reading frame from leucine 276.
Molecular consequence: frameshift variant.
Genome position (GRCh38, 1-based): chr17:31,182,604, T deleted; the last of 2 consecutive T bases (chr17:31,182,603-31,182,604); deleting either gives the same sequence. VCF-style (leftmost placement, unchanged base first): chr17-31182602-CT-C. GRCh37 (hg19) VCF-style: chr17-29509620-CT-C.
Other names: c.827delT, p.Leu276Cysfs (NM_000267.4); c.827del, p.Leu276fs (NM_001128147.3); short protein forms L276fs.
Identifiers: ClinVar variation 1070584 (VCV001070584.5), dbSNP rs2143786188, ClinGen allele CA2499223992.
Genomic context (GRCh38, chr17:31,182,602, plus strand): 5'-TTTTGCTGAAAGCACCAAACGTAAAGCAGCAGTTTGGCCACTACAAATCATTCTCCTTAT[CT>C]TGTGTCCAGAAATAATCCAGGATATATCCAAAGACGTGGTTGATGAAAACAACATGAATA-3'

ClinVar aggregate classification (germline): Pathogenic (1 of 4 stars; one submission).

Conditions:
Neurofibromatosis, type 1 (NF1). Also called: VON RECKLINGHAUSEN DISEASE; Peripheral type neurofibromatosis; NEUROFIBROMATOSIS, TYPE I, SOMATIC; Neurofibromatosis, type I. Identifiers: Orphanet 636, MedGen C0027831, MONDO:0018975, OMIM 162200. Disease mechanism: loss of function.

Submission:

Labcorp Genetics (formerly Invitae), Labcorp
Classification: Pathogenic for Neurofibromatosis, type 1. Last evaluated: 2020-08-18. Review status: criteria provided, single submitter. Criteria: Invitae Variant Classification Sherloc (09022015). Collection method: clinical testing. Allele origin: germline.
Comment: For these reasons, this variant has been classified as Pathogenic. Loss-of-function variants in NF1 are known to be pathogenic (PMID: 10712197, 23913538). This variant has not been reported in the literature in individuals with NF1-related conditions. This variant is not present in population databases (ExAC no frequency). This sequence change creates a premature translational stop signal (p.Leu276Cysfs*5) in the NF1 gene. It is expected to result in an absent or disrupted protein product.

Literature cited by the submitters: PubMed 10712197; PubMed 23913538.